The following is an entry in ClinVar:

NM_001042492.3(NF1):c.3558_3577del (p.Ile1186_Leu1187insTer)

Gene: NF1 (neurofibromin 1; plus strand). Cytogenetic location: 17q11.2.
Variant type: Deletion.
Coding change: c.3558_3577del on transcript NM_001042492.3 (MANE Select); coding-DNA positions 3558 to 3577, 20 bases deleted (CCTTCAACAAGGCACAGAAT).
Protein change: p.Ile1186_Leu1187insTer.
Molecular consequence: frameshift variant. On other transcripts: nonsense (1).
Genome position (GRCh38, 1-based): chr17:31,233,063-31,233,082, CCTTCAACAAGGCACAGAAT deleted; deleting any 20 consecutive bases within chr17:31,233,060-31,233,082 gives the same sequence; the c. name uses the placement nearest the transcript's 3' end. VCF-style (leftmost placement, unchanged base first): chr17-31233059-AAATCCTTCAACAAGGCACAG-A. GRCh37 (hg19) VCF-style: chr17-29560077-AAATCCTTCAACAAGGCACAG-A.
Other names: c.3558_3577del20, p.Leu1187Terfs (NM_000267.4).
Identifiers: ClinVar variation 3725800 (VCV003725800.2).

ClinVar aggregate classification (germline): Pathogenic (1 of 4 stars; one submission).

Conditions:
Neurofibromatosis, type 1 (NF1). Also called: NEUROFIBROMATOSIS, TYPE I, SOMATIC; Peripheral type neurofibromatosis; Neurofibromatosis, type I; VON RECKLINGHAUSEN DISEASE. Identifiers: Orphanet 636, MedGen C0027831, MONDO:0018975, OMIM 162200. Disease mechanism: loss of function.

Submission:

Labcorp Genetics (formerly Invitae), Labcorp
Classification: Pathogenic for Neurofibromatosis, type 1. Last evaluated: 2024-12-08. Review status: criteria provided, single submitter. Criteria: Invitae Variant Classification Sherloc (09022015). Collection method: clinical testing. Allele origin: germline.
Comment: This sequence change creates a premature translational stop signal (p.Leu1187*) in the NF1 gene. It is expected to result in an absent or disrupted protein product. Loss-of-function variants in NF1 are known to be pathogenic (PMID: 10712197, 23913538). This variant is not present in population databases (gnomAD no frequency). This variant has not been reported in the literature in individuals affected with NF1-related conditions. For these reasons, this variant has been classified as Pathogenic.

Literature cited by the submitters: PubMed 10712197; PubMed 23913538.